The following is an entry in ClinVar:

NM_005157.6(ABL1):c.2494C>A (p.His832Asn)

Gene: ABL1 (ABL proto-oncogene 1, non-receptor tyrosine kinase; plus strand). Cytogenetic location: 9q34.12.
Variant type: single nucleotide variant.
Coding change: c.2494C>A on transcript NM_005157.6 (MANE Select); coding-DNA position 2494, C replaced by A.
Protein change: p.His832Asn; replaces histidine 832 with asparagine.
Molecular consequence: missense variant.
Genome position (GRCh38, 1-based): chr9:130,884,784, C>A. VCF-style: chr9-130884784-C-A. GRCh37 (hg19) VCF-style: chr9-133760171-C-A.
Other names: c.2551C>A, p.His851Asn (NM_007313.3); short protein forms H832N, H851N.
Identifiers: ClinVar variation 133441 (VCV000133441.9), dbSNP rs377450717, ClinGen allele CA156533.

ClinVar aggregate classification (germline): Likely benign. Review status: criteria provided, multiple submitters, no conflicts (2 of 4 stars). 3 submissions from 3 submitters: Likely benign (2). 1 of the submissions does not count toward it. Last evaluated 2026-01-26.

Allele frequency attached by ClinVar (database versions not stated): ESP Exome Variant Server 0.00008; gnomAD 0.00011; TOPMed 0.00018.
gnomAD v4.1: 234 of 1,610,630 alleles (0.015%); highest among the groups gnomAD compares: Admixed American, 0.047%; no homozygotes.

Submissions (3):

Labcorp Genetics (formerly Invitae), Labcorp
Classification: Likely benign. Last evaluated: 2026-01-26. Review status: criteria provided, single submitter. Criteria: Invitae Variant Classification Sherloc (09022015). Collection method: clinical testing. Allele origin: germline.

Blueprint Genetics
Classification: Likely benign. Last evaluated: 2024-10-16. Review status: criteria provided, single submitter. Criteria: ACMG Guidelines, 2015. Collection method: clinical testing. Allele origin: germline.

ITMI
No classification provided. Condition: AllHighlyPenetrant. Last evaluated: 2013-09-19. Review status: no classification provided. Collection method: reference population. Allele origin: germline. Not counted in ClinVar's aggregate classification.
Comment: Please see associated publication for description of ethnicities

Literature cited by the submitters: PubMed 24728327 (cited by ITMI).